The following is an entry in ClinVar:

ClinVar aggregate classification (germline): Uncertain significance (1 of 4 stars; one submission).

Conditions:
Arginine:glycine amidinotransferase deficiency (CCDS3). Also called: Creatine deficiency syndrome due to AGAT deficiency; GATM deficiency; AGAT deficiency; L-Arginine:Glycine Amidinotransferase Deficiency; L-Arginine:Glycine Amidinotransferase (AGAT) Deficiency; Cerebral creatine deficiency syndrome 3. Identifiers: Orphanet 35704, MedGen C2675179, MONDO:0012996, OMIM 612718.

Submission:

Labcorp Genetics (formerly Invitae), Labcorp
Classification: Uncertain significance for Arginine:glycine amidinotransferase deficiency. Last evaluated: 2024-05-21. Review status: criteria provided, single submitter. Criteria: Invitae Variant Classification Sherloc (09022015). Collection method: clinical testing. Allele origin: germline.
Comment: This sequence change replaces valine, which is neutral and non-polar, with methionine, which is neutral and non-polar, at codon 291 of the GATM protein (p.Val291Met). This variant is not present in population databases (gnomAD no frequency). This variant has not been reported in the literature in individuals affected with GATM-related conditions. Advanced modeling of protein sequence and biophysical properties (such as structural, functional, and spatial information, amino acid conservation, physicochemical variation, residue mobility, and thermodynamic stability) performed at Invitae indicates that this missense variant is expected to disrupt GATM protein function with a positive predictive value of 80%. In summary, the available evidence is currently insufficient to determine the role of this variant in disease. Therefore, it has been classified as a Variant of Uncertain Significance.

NM_001482.3(GATM):c.871G>A (p.Val291Met)

Gene: GATM (glycine amidinotransferase; minus strand). Cytogenetic location: 15q21.1.
Variant type: single nucleotide variant.
Coding change: c.871G>A on transcript NM_001482.3 (MANE Select); coding-DNA position 871, G replaced by A.
Protein change: p.Val291Met; replaces valine 291 with methionine.
Molecular consequence: missense variant.
Genome position (GRCh38, 1-based): chr15:45,366,153, C>T on the plus strand (G>A on the coding strand, the complement: GATM is on the minus strand). VCF-style: chr15-45366153-C-T. GRCh37 (hg19) VCF-style: chr15-45658351-C-T.
Other names: c.484G>A, p.Val162Met (NM_001321015.2); short protein forms V162M, V291M.
Identifiers: ClinVar variation 3653329 (VCV003653329.2).